The following is an entry in ClinVar:

ClinVar aggregate classification (germline): Uncertain significance. Review status: criteria provided, multiple submitters, no conflicts (2 of 4 stars). 2 submissions from 2 submitters: Uncertain significance (2). Last evaluated 2025-08-29.

Allele frequency attached by ClinVar (database versions not stated): gnomAD exomes 0.00006 and 0.00002; gnomAD 0.00008 and 0.00009; ExAC 0.00002; TOPMed 0.00005.
gnomAD v4.1: 113 of 1,593,910 alleles (0.0071%); highest among the groups gnomAD compares: Admixed American, 0.012%; no homozygotes.

Submissions (3):

Labcorp Genetics (formerly Invitae), Labcorp
Classification: Uncertain significance. Last evaluated: 2025-08-29. Review status: criteria provided, single submitter. Criteria: Invitae Variant Classification Sherloc (09022015). Collection method: clinical testing. Allele origin: germline.
Comment: This sequence change replaces asparagine, which is neutral and polar, with serine, which is neutral and polar, at codon 52 of the ARL3 protein (p.Asn52Ser). This variant is present in population databases (rs763678922, gnomAD 0.007%). This variant has not been reported in the literature in individuals affected with ARL3-related conditions. ClinVar contains an entry for this variant (Variation ID: 958231). An algorithm developed to predict the effect of missense changes on protein structure and function (PolyPhen-2) suggests that this variant is likely to be disruptive. In summary, the available evidence is currently insufficient to determine the role of this variant in disease. Therefore, it has been classified as a Variant of Uncertain Significance.

Blueprint Genetics
Classification: Uncertain significance. Last evaluated: 2024-11-07. Review status: criteria provided, single submitter. Criteria: ACMG Guidelines, 2015. Collection method: clinical testing. Allele origin: germline.

Dr. Peter K. Rogan Lab, Western University
No classification provided (evidence only). Condition: Hepatocellular carcinoma. Review status: no classification provided. Collection method: in vitro. Allele origin: not applicable. Functional consequence: retained intron. Not counted in ClinVar's aggregate classification.

NM_004311.4(ARL3):c.155A>G (p.Asn52Ser)

Gene: ARL3 (ARF like GTPase 3; minus strand). Cytogenetic location: 10q24.32.
Variant type: single nucleotide variant.
Coding change: c.155A>G on transcript NM_004311.4 (MANE Select); coding-DNA position 155, A replaced by G.
Protein change: p.Asn52Ser; replaces asparagine 52 with serine.
Molecular consequence: missense variant.
Genome position (GRCh38, 1-based): chr10:102,699,482, T>C on the plus strand (A>G on the coding strand, the complement: ARL3 is on the minus strand). VCF-style: chr10-102699482-T-C. GRCh37 (hg19) VCF-style: chr10-104459239-T-C.
Other names: short protein forms N52S.
Identifiers: ClinVar variation 958231 (VCV000958231.9), dbSNP rs763678922, ClinGen allele CA5668500.
Genomic context (GRCh38, chr10:102,699,482, plus strand): 5'-CTCTGTCCACCAATGTCCCATACATTCAGTTTAAAACCTTGTGATTGTACACTTTTGATG[T>C]TGAAACCCTGAAACAGGGACAAAAACATCAAGTTTTATTAAACTTTGGGATCATAATTCT-3'
Protein context (NP_004302.1, residues 42-62): ISHITPTQGF[Asn52Ser]IKSVQSQGFK